The following is an entry in ClinVar:

ClinVar aggregate classification (germline): Pathogenic (1 of 4 stars; one submission).

Conditions:
Duchenne muscular dystrophy (DMD). Also called: MUSCULAR DYSTROPHY, PSEUDOHYPERTROPHIC PROGRESSIVE, DUCHENNE TYPE; Duchenne Muscular Dystrophy (DMD). Identifiers: Orphanet 98896, MedGen C0013264, MONDO:0010679, OMIM 310200.

Submission:

Labcorp Genetics (formerly Invitae), Labcorp
Classification: Pathogenic for Duchenne muscular dystrophy. Last evaluated: 2021-05-11. Review status: criteria provided, single submitter. Criteria: Invitae Variant Classification Sherloc (09022015). Collection method: clinical testing. Allele origin: germline.
Comment: This variant is not present in population databases (ExAC no frequency). For these reasons, this variant has been classified as Pathogenic. This variant has not been reported in the literature in individuals with DMD-related conditions. This sequence change creates a premature translational stop signal (p.Lys1072Argfs*13) in the DMD gene. It is expected to result in an absent or disrupted protein product. Loss-of-function variants in DMD are known to be pathogenic (PMID: 16770791, 25007885).

Literature cited by the submitters: PubMed 16770791; PubMed 25007885.

NM_004006.3(DMD):c.3213del (p.Lys1072fs)

Gene: DMD (dystrophin; minus strand). Cytogenetic location: Xp21.1.
Variant type: Deletion.
Coding change: c.3213del on transcript NM_004006.3 (MANE Select); coding-DNA position 3213, one base deleted (G; older notation c.3213delG).
Protein change: p.Lys1072fs; shifts the reading frame from lysine 1072.
Molecular consequence: frameshift variant.
Genome position (GRCh38, 1-based): chrX:32,464,649, C deleted on the plus strand (G on the coding strand, the reverse complement: DMD is on the minus strand). VCF-style (leftmost placement, unchanged base first): chrX-32464648-TC-T. GRCh37 (hg19) VCF-style: chrX-32482765-TC-T.
Other names: c.3189del, p.Lys1064fs (NM_000109.4); c.3201del, p.Lys1068fs (NM_004009.3); c.2844del, p.Lys949fs (NM_004010.3); short protein forms K1064fs, K1072fs, K949fs, K1068fs.
Identifiers: ClinVar variation 1429596 (VCV001429596.6), dbSNP rs2148427870, ClinGen allele CA2573158961.
Genomic context (GRCh38, chrX:32,464,648, plus strand): 5'-TGCACTGTTTCAGCTGCTTTTTTAGAATTTCTGAATCCCCAAGGGCAGGCCATTCCTCCT[TC>T]AGAAAAACATCAACTTCAGCCATCCATTTCTTCAGGGTTTGTATGTGATTCTGAAACGAG-3'